The following is an entry in ClinVar:

NM_001267550.2(TTN):c.10186_10192delinsATCATT (p.Glu3396fs)

Gene: TTN (titin; minus strand). Cytogenetic location: 2q31.2.
Variant type: Indel.
Coding change: c.10186_10192delinsATCATT on transcript NM_001267550.2 (MANE Select); coding-DNA positions 10186 to 10192, GAAGACA replaced by ATCATT.
Protein change: p.Glu3396fs; shifts the reading frame from glutamic acid 3396.
Molecular consequence: frameshift variant.
Genome position (GRCh38, 1-based): chr2:178,759,095-178,759,101, TGTCTTC replaced by AATGAT on the plus strand (GAAGACA replaced by ATCATT on the coding strand, the reverse complement: TTN is on the minus strand). VCF-style: chr2-178759095-TGTCTTC-AATGAT. GRCh37 (hg19) VCF-style: chr2-179623822-TGTCTTC-AATGAT.
Other names: c.10186_10192delinsATCATT, p.Glu3396fs (NM_001256850.1, NM_133378.4, NM_133379.5); c.10048_10054delinsATCATT, p.Glu3350fs (NM_003319.4, NM_133432.3, NM_133437.4); short protein forms E3350fs, E3396fs.
Identifiers: ClinVar variation 534986 (VCV000534986.6), dbSNP rs1553972275, ClinGen allele CA658796050.

ClinVar aggregate classification (germline): Likely pathogenic (1 of 4 stars; one submission).

Conditions:
Autosomal recessive limb-girdle muscular dystrophy type 2J (LGMDR10). Also called: Limb-girdle muscular dystrophy, type 2J; MUSCULAR DYSTROPHY, LIMB-GIRDLE, AUTOSOMAL RECESSIVE 10. Identifiers: Orphanet 140922, MedGen C1837342, MONDO:0012127, OMIM 608807.
Dilated cardiomyopathy 1G (CMD1G). Identifiers: Orphanet 154, MedGen C1858763, MONDO:0011400, OMIM 604145.

Submission:

Labcorp Genetics (formerly Invitae), Labcorp
Classification: Likely pathogenic for Dilated cardiomyopathy 1G; Autosomal recessive limb-girdle muscular dystrophy type 2J. Last evaluated: 2024-10-17. Review status: criteria provided, single submitter. Criteria: Invitae Variant Classification Sherloc (09022015). Collection method: clinical testing. Allele origin: germline.
Comment: This sequence change creates a premature translational stop signal (p.Glu3396Ilefs*27) in the TTN gene. While this is not anticipated to result in nonsense mediated decay, it is expected to create a truncated TTN protein. Information on the frequency of this variant in the gnomAD database is not available, as this variant may be reported differently in the database. This variant has not been reported in the literature in individuals affected with TTN-related conditions. This variant is located in the I band of TTN (PMID: 25589632). Truncating variants in this region have been reported in individuals affected with autosomal recessive centronuclear myopathy (PMID: 23975875, internal data). Truncating variants in this region have also been identified in individuals affected with autosomal dominant dilated cardiomyopathy and/or cardio-related conditions (PMID: 27869827, 32964742, internal data). In summary, the currently available evidence indicates that the variant is pathogenic, but additional data are needed to prove that conclusively. Therefore, this variant has been classified as Likely Pathogenic.

Literature cited by the submitters: PubMed 25589632; PubMed 23975875; PubMed 27869827; PubMed 32964742.